The following is an entry in ClinVar:

ClinVar aggregate classification (germline): Likely benign. Review status: criteria provided, multiple submitters, no conflicts (2 of 4 stars). 3 submissions from 3 submitters: Likely benign (2). 1 of the submissions does not count toward it. Last evaluated 2026-01-28.

Conditions:
NEB-related disorder. Also called: NEB-related condition; NEB-Related Disorders.
Nemaline myopathy 2 (NEM2). Also called: Nemaline myopathy 2, autosomal recessive. Identifiers: MedGen C1850569, MONDO:0009725, OMIM 256030.

Allele frequency attached by ClinVar (database versions not stated): TOPMed 0.00006.
gnomAD v4.1: 55 of 1,613,870 alleles (0.0034%); highest among the groups gnomAD compares: Admixed American, 0.027%; no homozygotes.

Submissions (3):

Labcorp Genetics (formerly Invitae), Labcorp
Classification: Likely benign for Nemaline myopathy 2. Last evaluated: 2026-01-28. Review status: criteria provided, single submitter. Criteria: Invitae Variant Classification Sherloc (09022015). Collection method: clinical testing. Allele origin: germline.

GeneDx
Classification: Likely benign. Last evaluated: 2017-04-19. Review status: criteria provided, single submitter. Criteria: GeneDx Variant Classification (06012015). Collection method: clinical testing. Allele origin: germline. Affected: yes.
Comment: This variant is considered likely benign or benign based on one or more of the following criteria: it is a conservative change, it occurs at a poorly conserved position in the protein, it is predicted to be benign by multiple in silico algorithms, and/or has population frequency not consistent with disease.

PreventionGenetics, part of Exact Sciences
Classification: Likely benign for NEB-related condition. Last evaluated: 2019-07-02. Review status: no assertion criteria provided. Collection method: clinical testing. Allele origin: germline. Not counted in ClinVar's aggregate classification.
Comment: This variant is classified as likely benign based on ACMG/AMP sequence variant interpretation guidelines (Richards et al. 2015 PMID: 25741868, with internal and published modifications).

NM_001164508.2(NEB):c.10047C>T (p.Ser3349=)

Gene: NEB (nebulin; minus strand). Cytogenetic location: 2q23.3.
Variant type: single nucleotide variant.
Coding change: c.10047C>T on transcript NM_001164508.2 (MANE Select); coding-DNA position 10047, C replaced by T.
Protein change: p.Ser3349=; no amino-acid change (serine 3349 retained).
Molecular consequence: synonymous variant.
Genome position (GRCh38, 1-based): chr2:151,627,619, G>A on the plus strand (C>T on the coding strand, the complement: NEB is on the minus strand). VCF-style: chr2-151627619-G-A. GRCh37 (hg19) VCF-style: chr2-152484133-G-A.
Other names: c.10047C>T, p.Ser3349= (NM_001164507.2, NM_001271208.2); c.9318C>T, p.Ser3106= (NM_004543.5).
Identifiers: ClinVar variation 506664 (VCV000506664.15), dbSNP rs763268909, ClinGen allele CA1909138.
Genomic context (GRCh38, chr2:151,627,619, plus strand): 5'-GACATCATTCTGGTCGGGCAGGCACGTCCACTCGTGCAGGTAGTTCTTGTAGTCCACATC[G>A]CTGACTAAGGTCTGGCACTTCTTGGCTAACACCACTCCCAGCATGTCCACTGGGCTGCTG-3'
Protein context (NP_001157980.2, residues 3339-3359): VLAKKCQTLV[Ser3349=]DVDYKNYLHE